The following is an entry in ClinVar:

ClinVar aggregate classification (germline): Uncertain significance (1 of 4 stars; one submission).

Conditions:
Joubert syndrome. Also called: CEREBELLOPARENCHYMAL DISORDER IV; JOUBERT-BOLTSHAUSER SYNDROME; Familial aplasia of the vermis. Identifiers: Orphanet 475, MedGen C5979921, MONDO:0018772.
Meckel-Gruber syndrome. Also called: DYSENCEPHALIA SPLANCHNOCYSTICA; GRUBER SYNDROME; Dysencephalia splachnocystica. Identifiers: Orphanet 564, MedGen C0265215, MONDO:0018921.

Allele frequency attached by ClinVar (database versions not stated): TOPMed below 0.00001.

Submission:

Labcorp Genetics (formerly Invitae), Labcorp
Classification: Uncertain significance for Joubert syndrome; Meckel-Gruber syndrome. Last evaluated: 2024-04-15. Review status: criteria provided, single submitter. Criteria: Invitae Variant Classification Sherloc (09022015). Collection method: clinical testing. Allele origin: germline.
Comment: This sequence change replaces lysine, which is basic and polar, with arginine, which is basic and polar, at codon 443 of the RPGRIP1L protein (p.Lys443Arg). This variant is not present in population databases (gnomAD no frequency). This variant has not been reported in the literature in individuals affected with RPGRIP1L-related conditions. ClinVar contains an entry for this variant (Variation ID: 1983213). Advanced modeling of protein sequence and biophysical properties (such as structural, functional, and spatial information, amino acid conservation, physicochemical variation, residue mobility, and thermodynamic stability) performed at Invitae indicates that this missense variant is not expected to disrupt RPGRIP1L protein function with a negative predictive value of 80%. In summary, the available evidence is currently insufficient to determine the role of this variant in disease. Therefore, it has been classified as a Variant of Uncertain Significance.

NM_015272.5(RPGRIP1L):c.1328A>G (p.Lys443Arg)

Gene: RPGRIP1L (RPGRIP1 like; minus strand). Cytogenetic location: 16q12.2.
Variant type: single nucleotide variant.
Coding change: c.1328A>G on transcript NM_015272.5 (MANE Select); coding-DNA position 1328, A replaced by G.
Protein change: p.Lys443Arg; replaces lysine 443 with arginine.
Molecular consequence: missense variant.
Genome position (GRCh38, 1-based): chr16:53,658,794, T>C on the plus strand (A>G on the coding strand, the complement: RPGRIP1L is on the minus strand). VCF-style: chr16-53658794-T-C. GRCh37 (hg19) VCF-style: chr16-53692706-T-C.
Other names: c.1328A>G, p.Lys443Arg (NM_001127897.4, NM_001308334.3, NM_001330538.2); short protein forms K443R.
Identifiers: ClinVar variation 1983213 (VCV001983213.4), dbSNP rs1967503807, ClinGen allele CA395920165.
Genomic context (GRCh38, chr16:53,658,794, plus strand): 5'-ATTCTGAGTTTTATTTCTTAAATAAGGAAATAATTCACCTGGTTGTACAATTTTATGCGT[T>C]TTTTAAGTTCATCAAGTTGTTGCTTTTGTTCCAGATACTGTAACTGTAGTTCTCTATTCT-3'
Protein context (NP_056087.2, residues 433-453): EQKQQLDELK[Lys443Arg]RIKLYNQEND